The following is an entry in ClinVar:

NM_198578.4(LRRK2):c.7577T>C (p.Val2526Ala)

Gene: LRRK2 (leucine rich repeat kinase 2; plus strand). Cytogenetic location: 12q12.
Variant type: single nucleotide variant.
Coding change: c.7577T>C on transcript NM_198578.4 (MANE Select); coding-DNA position 7577, T replaced by C.
Protein change: p.Val2526Ala; replaces valine 2526 with alanine.
Molecular consequence: missense variant.
Genome position (GRCh38, 1-based): chr12:40,367,758, T>C. VCF-style: chr12-40367758-T-C. GRCh37 (hg19) VCF-style: chr12-40761560-T-C.
Other names: short protein forms V2526A.
Identifiers: ClinVar variation 4100956 (VCV004100956.2).

ClinVar aggregate classification (germline): Uncertain significance. Review status: criteria provided, multiple submitters, no conflicts (2 of 4 stars). 2 submissions from 2 submitters: Uncertain significance (2). Last evaluated 2025-12-23.

Conditions:
Inborn genetic diseases. Identifiers: MedGen C0950123, MeSH D030342.
Autosomal dominant Parkinson disease 8. Also called: Parkinson disease 8, susceptibility to; LRRK2-Related Parkinson Disease; Parkinson disease 8. Identifiers: Orphanet 411602, MedGen C1846862, MONDO:0011764, OMIM 607060.

gnomAD v4.1: 8 of 1,604,944 alleles (0.0005%); highest among the groups gnomAD compares: East Asian, 0.013%; no homozygotes.

Submissions (2):

Labcorp Genetics (formerly Invitae), Labcorp
Classification: Uncertain significance for Autosomal dominant Parkinson disease 8. Last evaluated: 2025-12-23. Review status: criteria provided, single submitter. Criteria: Invitae Variant Classification Sherloc (09022015). Collection method: clinical testing. Allele origin: germline.
Comment: This sequence change replaces valine, which is neutral and non-polar, with alanine, which is neutral and non-polar, at codon 2526 of the LRRK2 protein (p.Val2526Ala). This variant is present in population databases (no rsID available, gnomAD 0.02%). This variant has not been reported in the literature in individuals affected with LRRK2-related conditions. ClinVar contains an entry for this variant (Variation ID: 4100956). An algorithm developed to predict the effect of missense changes on protein structure and function outputs the following: PolyPhen-2: "Benign". The alanine amino acid residue is found in multiple mammalian species, which suggests that this missense change does not adversely affect protein function. In summary, the available evidence is currently insufficient to determine the role of this variant in disease. Therefore, it has been classified as a Variant of Uncertain Significance.

Ambry Genetics
Classification: Uncertain significance for Inborn genetic diseases. Last evaluated: 2025-06-22. Review status: criteria provided, single submitter. Criteria: Ambry Variant Classification Scheme 2023. Collection method: clinical testing. Allele origin: germline.